The following is an entry in ClinVar:

ClinVar aggregate classification (germline): Uncertain significance (1 of 4 stars; one submission).

Conditions:
POLD1-related polyposis and colorectal cancer syndrome (CRCS10). Also called: Colorectal cancer 10; COLORECTAL CANCER, SUSCEPTIBILITY TO, ON CHROMOSOME 19q; Colorectal cancer, susceptibility to, 10. Identifiers: Orphanet 220460, MedGen C2675481, MONDO:0012953, OMIM 612591.

Submission:

Labcorp Genetics (formerly Invitae), Labcorp
Classification: Uncertain significance for POLD1-related polyposis and colorectal cancer syndrome. Last evaluated: 2024-08-10. Review status: criteria provided, single submitter. Criteria: Invitae Variant Classification Sherloc (09022015). Collection method: clinical testing. Allele origin: germline.
Comment: This variant, c.2254_2256del, results in the deletion of 1 amino acid(s) of the POLD1 protein (p.Val752del), but otherwise preserves the integrity of the reading frame. This variant is not present in population databases (gnomAD no frequency). This variant has not been reported in the literature in individuals affected with POLD1-related conditions. Experimental studies and prediction algorithms are not available or were not evaluated, and the functional significance of this variant is currently unknown. Algorithms developed to predict the effect of sequence changes on RNA splicing suggest that this variant may disrupt the consensus splice site. In summary, the available evidence is currently insufficient to determine the role of this variant in disease. Therefore, it has been classified as a Variant of Uncertain Significance.

NC_000019.10:g.50413742GTG[1]

Gene: POLD1 (DNA polymerase delta 1, catalytic subunit; plus strand). Cytogenetic location: 19q13.33.
Variant type: Microsatellite.
Genome position: GRCh38 VCF-style: chr19-50413740-AGGT-A. GRCh37 (hg19) VCF-style: chr19-50916997-AGGT-A.
Identifiers: ClinVar variation 1519199 (VCV001519199.8), dbSNP rs2122445574, ClinGen allele CA2580614951.